The following is an entry in ClinVar:

ClinVar aggregate classification (germline): Uncertain significance (1 of 4 stars; one submission).

Allele frequency attached by ClinVar (database versions not stated): gnomAD 0.00001.
gnomAD v4.1: 1 of 1,614,052 alleles (0.000062%); highest among the groups gnomAD compares: Admixed American, 0.0017%; no homozygotes.

Submission:

Labcorp Genetics (formerly Invitae), Labcorp
Classification: Uncertain significance. Last evaluated: 2021-04-27. Review status: criteria provided, single submitter. Criteria: Invitae Variant Classification Sherloc (09022015). Collection method: clinical testing. Allele origin: germline.
Comment: In summary, the available evidence is currently insufficient to determine the role of this variant in disease. Therefore, it has been classified as a Variant of Uncertain Significance. Algorithms developed to predict the effect of missense changes on protein structure and function are either unavailable or do not agree on the potential impact of this missense change (SIFT: "Deleterious"; PolyPhen-2: "Benign"; Align-GVGD: "Class C25"). This variant has not been reported in the literature in individuals with FEM1B-related conditions. This variant is not present in population databases (ExAC no frequency). This sequence change replaces isoleucine with threonine at codon 200 of the FEM1B protein (p.Ile200Thr). The isoleucine residue is moderately conserved and there is a moderate physicochemical difference between isoleucine and threonine.

NM_015322.5(FEM1B):c.599T>C (p.Ile200Thr)

Gene: FEM1B (fem-1 homolog B; plus strand). Cytogenetic location: 15q23.
Variant type: single nucleotide variant.
Coding change: c.599T>C on transcript NM_015322.5 (MANE Select); coding-DNA position 599, T replaced by C.
Protein change: p.Ile200Thr; replaces isoleucine 200 with threonine.
Molecular consequence: missense variant.
Genome position (GRCh38, 1-based): chr15:68,289,957, T>C. VCF-style: chr15-68289957-T-C. GRCh37 (hg19) VCF-style: chr15-68582295-T-C.
Other names: short protein forms I200T.
Identifiers: ClinVar variation 1464977 (VCV001464977.6), dbSNP rs1892828378, ClinGen allele CA392979691.
Genomic context (GRCh38, chr15:68,289,957, plus strand): 5'-CCAATGCCAAAGCACATTGTGGAGCCACAGCATTGCACTTTGCAGCTGAAGCTGGGCACA[T>C]AGATATTGTGAAAGAGCTGATAAAATGGCGTGCTGCTATAGTAGTGAATGGCCATGGGAT-3'
Protein context (NP_056137.1, residues 190-210): ALHFAAEAGH[Ile200Thr]DIVKELIKWR